The following is an entry in ClinVar:

NM_004304.5(ALK):c.133A>C (p.Ser45Arg)

Gene: ALK (ALK receptor tyrosine kinase; minus strand). Cytogenetic location: 2p23.1.
Variant type: single nucleotide variant.
Coding change: c.133A>C on transcript NM_004304.5 (MANE Select); coding-DNA position 133, A replaced by C.
Protein change: p.Ser45Arg; replaces serine 45 with arginine.
Molecular consequence: missense variant.
Genome position (GRCh38, 1-based): chr2:29,920,527, T>G on the plus strand (A>C on the coding strand, the complement: ALK is on the minus strand). VCF-style: chr2-29920527-T-G. GRCh37 (hg19) VCF-style: chr2-30143393-T-G.
Other names: short protein forms S45R.
Identifiers: ClinVar variation 3855384 (VCV003855384.1).
Genomic context (GRCh38, chr2:29,920,527, plus strand): 5'-GGAAGAGCGAGGGCACCACGAAGTCAACTGCCAGACTCTTCCTCTGCAGGCGCGAGTAGC[T>G]GAGTGGCTCCCGGGGCTGCAGCGGCGGCCCCGCAGCTGGGGAGCCCGCGCGCTGGCCGGT-3'
Protein context (NP_004295.2, residues 35-55): GPPLQPREPL[Ser45Arg]YSRLQRKSLA

ClinVar aggregate classification (germline): Uncertain significance (1 of 4 stars; one submission).

Conditions:
Hereditary cancer-predisposing syndrome. Also called: Hereditary neoplastic syndrome; Neoplastic Syndromes, Hereditary; Tumor predisposition; Hereditary Cancer Syndrome. Identifiers: Orphanet 140162, MedGen C0027672, MeSH D009386, MONDO:0015356.

Submission:

Ambry Genetics
Classification: Uncertain significance for Hereditary cancer-predisposing syndrome. Last evaluated: 2025-01-15. Review status: criteria provided, single submitter. Criteria: Ambry Variant Classification Scheme 2023. Collection method: clinical testing. Allele origin: germline.
Comment: The p.S45R variant (also known as c.133A>C), located in coding exon 1 of the ALK gene, results from an A to C substitution at nucleotide position 133. The serine at codon 45 is replaced by arginine, an amino acid with dissimilar properties. This amino acid position is conserved. In addition, the in silico prediction for this alteration is inconclusive. Based on the available evidence, the clinical significance of this variant remains unclear.